The following is an entry in ClinVar:

ClinVar aggregate classification (germline): Likely benign (1 of 4 stars; one submission).

Submission:

GeneDx
Classification: Likely benign. Last evaluated: 2015-12-16. Review status: criteria provided, single submitter. Criteria: GeneDx Variant Classification (06012015). Collection method: clinical testing. Allele origin: germline. Affected: yes.
Comment: This variant is considered likely benign or benign based on one or more of the following criteria: it is a conservative change, it occurs at a poorly conserved position in the protein, it is predicted to be benign by multiple in silico algorithms, and/or has population frequency not consistent with disease.

NM_001035.3(RYR2):c.4845A>G (p.Gln1615=)

Gene: RYR2 (ryanodine receptor 2; plus strand). Cytogenetic location: 1q43.
Variant type: single nucleotide variant.
Coding change: c.4845A>G on transcript NM_001035.3 (MANE Select); coding-DNA position 4845, A replaced by G.
Protein change: p.Gln1615=; no amino-acid change (glutamine 1615 retained).
Molecular consequence: synonymous variant.
Genome position (GRCh38, 1-based): chr1:237,610,923, A>G. VCF-style: chr1-237610923-A-G. GRCh37 (hg19) VCF-style: chr1-237774223-A-G.
Other names: c.4845A>G, p.Gln1615= (LRG_402t1).
Identifiers: ClinVar variation 382355 (VCV000382355.1), dbSNP rs1057521339, ClinGen allele CA16603612.
Genomic context (GRCh38, chr1:237,610,923, plus strand): 5'-GTGGAGCAGAATGCCCAACCAGTTTTTGAAGGTAGATGTGTCTCGAATAAGTGAACGCCA[A>G]GGCTGGTTGGTGCAGTGTTTGGATCCTCTGCAGTTCATGTCTCTTCATATCCCTGAGGAA-3'
Protein context (NP_001026.2, residues 1605-1625): KVDVSRISER[Gln1615=]GWLVQCLDPL